The following is an entry in ClinVar:

ClinVar aggregate classification (germline): Likely benign (1 of 4 stars; one submission).

Allele frequency attached by ClinVar (database versions not stated): ESP Exome Variant Server 0.00008; TOPMed 0.00008.
gnomAD v4.1: 63 of 1,610,536 alleles (0.0039%); highest among the groups gnomAD compares: Middle Eastern, 0.016%; no homozygotes.

Submission:

CeGaT Center for Human Genetics Tuebingen
Classification: Likely benign. Last evaluated: 2024-05-01. Review status: criteria provided, single submitter. Criteria: CeGaT Center For Human Genetics Tuebingen Variant Classification Criteria Version 2. Collection method: clinical testing. Allele origin: germline. Affected: yes. Observed: 1 variant allele.
Comment: POM121C: BP4, BP7

NM_001099415.3(POM121C):c.2862G>A (p.Pro954=)

Gene: POM121C (POM121 transmembrane nucleoporin C; minus strand). Cytogenetic location: 7q11.23.
Variant type: single nucleotide variant.
Coding change: c.2862G>A on transcript NM_001099415.3 (MANE Select); coding-DNA position 2862, G replaced by A.
Protein change: p.Pro954=; no amino-acid change (proline 954 retained).
Molecular consequence: synonymous variant.
Genome position (GRCh38, 1-based): chr7:75,419,324, C>T on the plus strand (G>A on the coding strand, the complement: POM121C is on the minus strand). VCF-style: chr7-75419324-C-T. GRCh37 (hg19) VCF-style: chr7-75048607-C-T.
Identifiers: ClinVar variation 3239035 (VCV003239035.19), dbSNP rs1128185.